The following is an entry in ClinVar:

NM_144670.6(A2ML1):c.3030C>G (p.Tyr1010Ter)

Gene: A2ML1 (alpha-2-macroglobulin like 1; plus strand). Cytogenetic location: 12p13.31.
Variant type: single nucleotide variant.
Coding change: c.3030C>G on transcript NM_144670.6 (MANE Select); coding-DNA position 3030, C replaced by G.
Protein change: p.Tyr1010Ter; replaces tyrosine 1010 with a stop codon.
Molecular consequence: nonsense.
Genome position (GRCh38, 1-based): chr12:8,857,511, C>G. VCF-style: chr12-8857511-C-G. GRCh37 (hg19) VCF-style: chr12-9010107-C-G.
Other names: c.1557C>G, p.Tyr519Ter (NM_001282424.3); short protein forms Y1010*, Y519*.
Identifiers: ClinVar variation 4808498 (VCV004808498.1).

ClinVar aggregate classification (germline): Uncertain significance (1 of 4 stars; one submission).

Submission:

Labcorp Genetics (formerly Invitae), Labcorp
Classification: Uncertain significance. Last evaluated: 2025-07-29. Review status: criteria provided, single submitter. Criteria: Invitae Variant Classification Sherloc (09022015). Collection method: clinical testing. Allele origin: germline.
Comment: This sequence change creates a premature translational stop signal (p.Tyr1010*) in the A2ML1 gene. It is expected to result in an absent or disrupted protein product. However, the current clinical and genetic evidence is not sufficient to establish whether loss-of-function variants in A2ML1 cause disease. This variant is not present in population databases (gnomAD no frequency). This variant has not been reported in the literature in individuals affected with A2ML1-related conditions. Algorithms developed to predict the effect of sequence changes on RNA splicing suggest that this variant may disrupt the consensus splice site. In summary, the available evidence is currently insufficient to determine the role of this variant in disease. Therefore, it has been classified as a Variant of Uncertain Significance.